The following is an entry in ClinVar:

NM_000023.4(SGCA):c.189C>T (p.His63=)

Gene: SGCA (sarcoglycan alpha; plus strand). Cytogenetic location: 17q21.33.
Variant type: single nucleotide variant.
Coding change: c.189C>T on transcript NM_000023.4 (MANE Select); coding-DNA position 189, C replaced by T.
Protein change: p.His63=; no amino-acid change (histidine 63 retained).
Molecular consequence: synonymous variant. On other transcripts: non-coding transcript variant (1).
Genome position (GRCh38, 1-based): chr17:50,167,613, C>T. VCF-style: chr17-50167613-C-T. GRCh37 (hg19) VCF-style: chr17-48244974-C-T.
Other names: c.189C>T, p.His63= (NM_001135697.3).
Identifiers: ClinVar variation 497842 (VCV000497842.22), dbSNP rs373770886, ClinGen allele CA8643730.
Genomic context (GRCh38, chr17:50,167,613, plus strand): 5'-CTCGAATCCCCTCTCCTCGCTTCCACCAGCTGTCCCACCCGCTGTCCACATCACCTACCA[C>T]GCCCACCTCCAGGGACACCCAGACCTGCCCCGGTGGCTCCGCTACACCCAGCGCAGCCCC-3'
Protein context (NP_000014.1, residues 53-73): AVPPAVHITY[His63=]AHLQGHPDLP

ClinVar aggregate classification (germline): Conflicting classifications of pathogenicity. Review status: criteria provided, conflicting classifications (1 of 4 stars). 4 submissions from 4 submitters: Uncertain significance (1); Likely benign (3). Last evaluated 2026-01-20.

Conditions:
Autosomal recessive limb-girdle muscular dystrophy type 2D (LGMDR3). Also called: MUSCULAR DYSTROPHY, LIMB-GIRDLE, AUTOSOMAL RECESSIVE 3; ADHALINOPATHY, PRIMARY; DUCHENNE-LIKE AUTOSOMAL RECESSIVE MUSCULAR DYSTROPHY, TYPE 2. Identifiers: Orphanet 62, MedGen C2936332, MONDO:0011968, OMIM 608099. Disease mechanism: Affects gamma-sarcoglycan and also disrupts the integrity of the entire sarcoglycan complex..

Allele frequency attached by ClinVar (database versions not stated): gnomAD exomes 0.00002 and 0.00010; ExAC 0.00012; 1000 Genomes Project 30x 0.00016; 1000 Genomes Project 0.00020; gnomAD 0.00027 and 0.00030; TOPMed 0.00027; ESP Exome Variant Server 0.00031.
gnomAD v4.1: 77 of 1,613,750 alleles (0.0048%); highest among the groups gnomAD compares: African/African-American, 0.065%; no homozygotes.

Submissions (4):

Labcorp Genetics (formerly Invitae), Labcorp
Classification: Likely benign for Autosomal recessive limb-girdle muscular dystrophy type 2D. Last evaluated: 2026-01-20. Review status: criteria provided, single submitter. Criteria: Invitae Variant Classification Sherloc (09022015). Collection method: clinical testing. Allele origin: germline.

ARUP Laboratories, Molecular Genetics and Genomics, ARUP Laboratories
Classification: Likely benign for Autosomal recessive limb-girdle muscular dystrophy type 2D. Last evaluated: 2020-10-20. Review status: criteria provided, single submitter. Criteria: ARUP Molecular Germline Variant Investigation Process 2021. Collection method: clinical testing. Allele origin: germline.

GeneDx
Classification: Likely benign. Last evaluated: 2017-06-15. Review status: criteria provided, single submitter. Criteria: GeneDx Variant Classification (06012015). Collection method: clinical testing. Allele origin: germline. Affected: yes.
Comment: This variant is considered likely benign or benign based on one or more of the following criteria: it is a conservative change, it occurs at a poorly conserved position in the protein, it is predicted to be benign by multiple in silico algorithms, and/or has population frequency not consistent with disease.

Eurofins Ntd Llc (ga)
Classification: Uncertain significance. Last evaluated: 2016-10-11. Review status: criteria provided, single submitter. Criteria: EGL Classification Definitions 2015. Collection method: clinical testing. Allele origin: germline. Observed: 1 variant allele, 1 heterozygote.